The following is an entry in ClinVar:

NM_000439.5(PCSK1):c.286-4G>A

Genes: CAST (calpastatin; plus strand), PCSK1 (proprotein convertase subtilisin/kexin type 1; minus strand), LOC101929710 (uncharacterized LOC101929710; plus strand). Cytogenetic location: 5q15.
Variant type: single nucleotide variant.
Coding change: c.286-4G>A on transcript NM_000439.5 (MANE Select); 4 bases into the intron before coding-DNA position 286, G replaced by A.
Molecular consequence: intron variant.
Genome position (GRCh38, 1-based): chr5:96,425,934, C>T on the plus strand (G>A on the coding strand, the complement: PCSK1 is on the minus strand). VCF-style: chr5-96425934-C-T. GRCh37 (hg19) VCF-style: chr5-95761638-C-T.
Other names: c.-175+46282C>T (NM_001423254.1, NM_001423259.1, NM_001423255.1 and 6 more transcripts); c.-103+46282C>T (NM_001423253.1); c.-40+46282C>T (NM_001423258.1); c.145-4G>A (NM_001177875.2).
Identifiers: ClinVar variation 3347957 (VCV003347957.1).
Genomic context (GRCh38, chr5:96,425,934, plus strand): 5'-CCTTAGAGCTGAACGTTTACTTCTTTCTTTTTCATACTGTTGTTCAGCCCATATCACCTA[C>T]AAGGATTTTTATAGCAAGAAAATCAAAAGTCAAATATCTACCTCTGTATACTTCCTCTAA-3'

ClinVar aggregate classification (germline): Uncertain significance (0 of 4 stars; one submission).

Conditions:
PCSK1-related disorder. Also called: PCSK1-related condition.

gnomAD v4.1: 4 of 1,574,360 alleles (0.00025%); highest among the groups gnomAD compares: Non-Finnish European, 0.00035%; no homozygotes.

Submission:

PreventionGenetics, part of Exact Sciences
Classification: Uncertain significance for PCSK1-related condition. Last evaluated: 2024-07-11. Review status: no assertion criteria provided. Collection method: clinical testing. Allele origin: germline.
Comment: The PCSK1 c.286-4G>A variant is predicted to interfere with splicing. To our knowledge, this variant has not been reported in the literature or in a large population database, indicating this variant is rare. At this time, the clinical significance of this variant is uncertain due to the absence of conclusive functional and genetic evidence.